The following is an entry in ClinVar:

ClinVar aggregate classification (germline): Uncertain significance (1 of 4 stars; one submission).

Submission:

Labcorp Genetics (formerly Invitae), Labcorp
Classification: Uncertain significance. Last evaluated: 2025-03-31. Review status: criteria provided, single submitter. Criteria: Invitae Variant Classification Sherloc (09022015). Collection method: clinical testing. Allele origin: germline.
Comment: This sequence change replaces arginine, which is basic and polar, with threonine, which is neutral and polar, at codon 77 of the C9 protein (p.Arg77Thr). This variant is not present in population databases (gnomAD no frequency). This variant has not been reported in the literature in individuals affected with C9-related conditions. Invitae Evidence Modeling of protein sequence and biophysical properties (such as structural, functional, and spatial information, amino acid conservation, physicochemical variation, residue mobility, and thermodynamic stability) indicates that this missense variant is not expected to disrupt C9 protein function with a negative predictive value of 80%. In summary, the available evidence is currently insufficient to determine the role of this variant in disease. Therefore, it has been classified as a Variant of Uncertain Significance.

NM_001737.5(C9):c.230G>C (p.Arg77Thr)

Gene: C9 (complement C9; minus strand). Cytogenetic location: 5p13.1.
Variant type: single nucleotide variant.
Coding change: c.230G>C on transcript NM_001737.5 (MANE Select); coding-DNA position 230, G replaced by C.
Protein change: p.Arg77Thr; replaces arginine 77 with threonine.
Molecular consequence: missense variant.
Genome position (GRCh38, 1-based): chr5:39,341,654, C>G on the plus strand (G>C on the coding strand, the complement: C9 is on the minus strand). VCF-style: chr5-39341654-C-G. GRCh37 (hg19) VCF-style: chr5-39341756-C-G.
Other names: short protein forms R77T.
Identifiers: ClinVar variation 4746640 (VCV004746640.1).
Genomic context (GRCh38, chr5:39,341,654, plus strand): 5'-GCATCCTCACAGGGCTCTGTGGGCACACACTGTCGTCTGTCTCCCACAGCGTCGGTGCAT[C>G]TTTTCCCATTAAATTGTCCAAAGACCTCAATGCTTCTTGAACGAAACTGCACAATATCAG-3'
Protein context (NP_001728.1, residues 67-87): IEVFGQFNGK[Arg77Thr]CTDAVGDRRQ